The following is an entry in ClinVar:

ClinVar aggregate classification (germline): Uncertain significance (1 of 4 stars; one submission).

Conditions:
Inborn genetic diseases. Identifiers: MedGen C0950123, MeSH D030342.

Allele frequency attached by ClinVar (database versions not stated): gnomAD exomes 0.00001; TOPMed 0.00001; gnomAD 0.00003.
gnomAD v4.1: 7 of 1,209,667 alleles (0.00058%); highest among the groups gnomAD compares: Non-Finnish European, 0.00078%; no homozygotes.

Submission:

Ambry Genetics
Classification: Uncertain significance for Inborn genetic diseases. Last evaluated: 2020-01-27. Review status: criteria provided, single submitter. Criteria: Ambry Variant Classification Scheme 2023. Collection method: clinical testing. Allele origin: germline.
Comment: The alteration results in an amino acid change:_x000D_ _x000D_ The c.403C>G (p.P135A) alteration is located in exon 4 (coding exon 2) of the ACSL4 gene. This alteration results from a C to G substitution at nucleotide position 403, causing the proline (P) at amino acid position 135 to be replaced by an alanine (A). The alteration is not observed in population databases: _x000D_ _x000D_ Based on data from the Genome Aggregation Database (gnomAD), the ACSL4 c.403C>G alteration was not observed, with coverage at this position. The altered amino acid is conserved throughout evolution:_x000D_ _x000D_ The p.P135 amino acid is conserved in available vertebrate species. The alteration is predicted inconclusive by in silico modeling:_x000D_ _x000D_ The in silico prediction for the p.P135A alteration is inconclusive. Based on insufficient or conflicting evidence, the clinical significance of this alteration remains unclear.

NM_001318510.2(ACSL4):c.403C>G (p.Pro135Ala)

Gene: ACSL4 (acyl-CoA synthetase long chain family member 4; minus strand). Cytogenetic location: Xq23.
Variant type: single nucleotide variant.
Coding change: c.403C>G on transcript NM_001318510.2 (MANE Select); coding-DNA position 403, C replaced by G.
Protein change: p.Pro135Ala; replaces proline 135 with alanine.
Molecular consequence: missense variant.
Genome position (GRCh38, 1-based): chrX:109,682,722, G>C on the plus strand (C>G on the coding strand, the complement: ACSL4 is on the minus strand). VCF-style: chrX-109682722-G-C. GRCh37 (hg19) VCF-style: chrX-108925951-G-C.
Other names: c.526C>G, p.Pro176Ala (NM_001318509.2, NM_022977.3); c.403C>G, p.Pro135Ala (NM_004458.3); short protein forms P135A, P176A.
Identifiers: ClinVar variation 985007 (VCV000985007.4), dbSNP rs1660027301, ClinGen allele CA414218424.